The following is an entry in ClinVar:

ClinVar aggregate classification (germline): Pathogenic (1 of 4 stars; one submission).

Submission:

Labcorp Genetics (formerly Invitae), Labcorp
Classification: Pathogenic. Last evaluated: 2023-07-25. Review status: criteria provided, single submitter. Criteria: Invitae Variant Classification Sherloc (09022015). Collection method: clinical testing. Allele origin: germline.
Comment: This variant is not present in population databases (gnomAD no frequency). This sequence change creates a premature translational stop signal (p.Lys1114Serfs*18) in the PCARE gene. It is expected to result in an absent or disrupted protein product. Loss-of-function variants in PCARE are known to be pathogenic (PMID: 20398886, 24339724, 26496393). This variant has not been reported in the literature in individuals affected with PCARE-related conditions. For these reasons, this variant has been classified as Pathogenic.

Literature cited by the submitters: PubMed 20398886; PubMed 24339724; PubMed 26496393.

NM_001029883.3(PCARE):c.3341_3342del (p.Lys1114fs)

Gene: PCARE (photoreceptor cilium actin regulator; minus strand). Cytogenetic location: 2p23.2.
Variant type: Deletion.
Coding change: c.3341_3342del on transcript NM_001029883.3 (MANE Select); coding-DNA positions 3341 to 3342, 2 bases deleted (AA; older notation c.3341_3342delAA).
Protein change: p.Lys1114fs; shifts the reading frame from lysine 1114.
Molecular consequence: frameshift variant.
Genome position (GRCh38, 1-based): chr2:29,070,920-29,070,921, TT deleted on the plus strand (AA on the coding strand, the reverse complement: PCARE is on the minus strand); deleting any 2 consecutive bases within chr2:29,070,920-29,070,922 gives the same sequence; the c. name uses the placement nearest the transcript's 3' end. VCF-style (leftmost placement, unchanged base first): chr2-29070919-CTT-C. GRCh37 (hg19) VCF-style: chr2-29293785-CTT-C.
Other names: short protein forms K1114fs.
Identifiers: ClinVar variation 2776882 (VCV002776882.3), dbSNP rs2465273458, ClinGen allele CA2739274288.